The following is an entry in ClinVar:

ClinVar aggregate classification (germline): Uncertain significance (1 of 4 stars; one submission).

Conditions:
Inborn genetic diseases. Identifiers: MedGen C0950123, MeSH D030342.

Allele frequency attached by ClinVar (database versions not stated): ExAC 0.00007; gnomAD 0.00007.
gnomAD v4.1: 40 of 1,608,890 alleles (0.0025%); no homozygotes.

Submission:

Ambry Genetics
Classification: Uncertain significance for Inborn genetic diseases. Last evaluated: 2021-02-26. Review status: criteria provided, single submitter. Criteria: Ambry Variant Classification Scheme 2023. Collection method: clinical testing. Allele origin: germline.
Comment: The p.S552A variant (also known as c.1654T>G), located in coding exon 4 of the PRX gene, results from a T to G substitution at nucleotide position 1654. The serine at codon 552 is replaced by alanine, an amino acid with similar properties. This amino acid position is poorly conserved in available vertebrate species. In addition, this alteration is predicted to be tolerated by in silico analysis. Since supporting evidence is limited at this time, the clinical significance of this alteration remains unclear.

NM_181882.3(PRX):c.1654T>G (p.Ser552Ala)

Gene: PRX (periaxin; minus strand). Cytogenetic location: 19q13.2.
Variant type: single nucleotide variant.
Coding change: c.1654T>G on transcript NM_181882.3 (MANE Select); coding-DNA position 1654, T replaced by G.
Protein change: p.Ser552Ala; replaces serine 552 with alanine.
Molecular consequence: missense variant. On other transcripts: 3 prime UTR variant (1).
Genome position (GRCh38, 1-based): chr19:40,396,698, A>C on the plus strand (T>G on the coding strand, the complement: PRX is on the minus strand). VCF-style: chr19-40396698-A-C. GRCh37 (hg19) VCF-style: chr19-40902605-A-C.
Other names: c.1939T>G, p.Ser647Ala (NM_001411127.1); c.*1859T>G (NM_020956.2); short protein forms S552A, S647A.
Identifiers: ClinVar variation 1777327 (VCV001777327.2), dbSNP rs754257849, ClinGen allele CA9444220.